The following is an entry in ClinVar:

ClinVar aggregate classification (germline): Pathogenic (1 of 4 stars; one submission).

Conditions:
Rubinstein-Taybi syndrome (RSTS). Identifiers: Orphanet 783, MedGen C0035934, MONDO:0019188.

Submission:

Labcorp Genetics (formerly Invitae), Labcorp
Classification: Pathogenic for Rubinstein-Taybi syndrome. Last evaluated: 2022-08-10. Review status: criteria provided, single submitter. Criteria: Invitae Variant Classification Sherloc (09022015). Collection method: clinical testing. Allele origin: germline.
Comment: This variant has not been reported in the literature in individuals affected with CREBBP-related conditions. For these reasons, this variant has been classified as Pathogenic. Algorithms developed to predict the effect of sequence changes on RNA splicing suggest that this variant may create or strengthen a splice site. ClinVar contains an entry for this variant (Variation ID: 527961). This variant is not present in population databases (gnomAD no frequency). This sequence change creates a premature translational stop signal (p.Glu1555*) in the CREBBP gene. It is expected to result in an absent or disrupted protein product. Loss-of-function variants in CREBBP are known to be pathogenic (PMID: 17052327, 18792986).

Literature cited by the submitters: PubMed 17052327; PubMed 18792986.

NM_004380.3(CREBBP):c.4663G>T (p.Glu1555Ter)

Gene: CREBBP (CREB binding lysine acetyltransferase; minus strand). Cytogenetic location: 16p13.3.
Variant type: single nucleotide variant.
Coding change: c.4663G>T on transcript NM_004380.3 (MANE Select); coding-DNA position 4663, G replaced by T.
Protein change: p.Glu1555Ter; replaces glutamic acid 1555 with a stop codon.
Molecular consequence: nonsense.
Genome position (GRCh38, 1-based): chr16:3,736,101, C>A on the plus strand (G>T on the coding strand, the complement: CREBBP is on the minus strand). VCF-style: chr16-3736101-C-A. GRCh37 (hg19) VCF-style: chr16-3786102-C-A.
Other names: c.4549G>T, p.Glu1517Ter (NM_001079846.1); short protein forms E1555*, E1517*.
Identifiers: ClinVar variation 527961 (VCV000527961.8), dbSNP rs1555472931, ClinGen allele CA394562323.